The following is an entry in ClinVar:

ClinVar aggregate classification (germline): Conflicting classifications of pathogenicity. Review status: criteria provided, conflicting classifications (1 of 4 stars). 3 submissions from 3 submitters: Uncertain significance (1); Benign (1); Likely benign (1). Last evaluated 2026-03-19.

Conditions:
Hereditary nonpolyposis colorectal neoplasms. Identifiers: MedGen C0009405, MeSH D003123.
Hereditary cancer-predisposing syndrome. Also called: Hereditary Cancer Syndrome; Neoplastic Syndromes, Hereditary; Hereditary neoplastic syndrome; Tumor predisposition. Identifiers: Orphanet 140162, MedGen C0027672, MeSH D009386, MONDO:0015356.
Lynch syndrome 4 (LYNCH4). Also called: Hereditary non-polyposis colorectal cancer, type 4; Colorectal cancer, hereditary nonpolyposis, type 4. Identifiers: Orphanet 144, MedGen C1838333, MONDO:0013699, OMIM 614337. Disease mechanism: loss of function.

Submissions (3):

Ambry Genetics
Classification: Uncertain significance for Hereditary cancer-predisposing syndrome. Last evaluated: 2026-03-19. Review status: criteria provided, single submitter. Criteria: Ambry Variant Classification Scheme 2023. Collection method: clinical testing. Allele origin: germline.
Comment: The c.651A>G variant (also known as p.T217T), located in coding exon 6 of the PMS2 gene, results from an A to G substitution at nucleotide position 651. This nucleotide substitution does not change the amino acid at codon 217. This nucleotide position is not well conserved in available vertebrate species. In silico splice site analysis for this alteration is inconclusive. Based on the available evidence, the clinical significance of this variant remains unclear.

Labcorp Genetics (formerly Invitae), Labcorp
Classification: Likely benign for Hereditary nonpolyposis colorectal neoplasms. Last evaluated: 2025-04-23. Review status: criteria provided, single submitter. Criteria: Invitae Variant Classification Sherloc (09022015). Collection method: clinical testing. Allele origin: germline.

Myriad Genetics, Inc.
Classification: Benign for Lynch syndrome 4. Last evaluated: 2025-01-27. Review status: criteria provided, single submitter. Criteria: Myriad Autosomal Dominant, Autosomal Recessive and X-Linked Classification Criteria (2023). Collection method: clinical testing. Allele origin: unknown.
Comment: This variant is considered benign. This variant is a silent/synonymous amino acid change and it is not expected to impact splicing.

NM_000535.7(PMS2):c.651A>G (p.Thr217=)

Gene: PMS2 (PMS1 homolog 2, mismatch repair system component; minus strand). Cytogenetic location: 7p22.1.
Variant type: single nucleotide variant.
Coding change: c.651A>G on transcript NM_000535.7 (MANE Select); coding-DNA position 651, A replaced by G.
Protein change: p.Thr217=; no amino-acid change (threonine 217 retained).
Molecular consequence: synonymous variant. On other transcripts: 5 prime UTR variant (2), non-coding transcript variant (1), intron variant (1).
Genome position (GRCh38, 1-based): chr7:5,999,162, T>C on the plus strand (A>G on the coding strand, the complement: PMS2 is on the minus strand). VCF-style: chr7-5999162-T-C. GRCh37 (hg19) VCF-style: chr7-6038793-T-C.
Other names: c.246A>G, p.Thr82= (NM_001322003.2, NM_001322004.2, NM_001322005.2 and 2 more transcripts); c.651A>G, p.Thr217= (NM_001322006.2, NM_001322014.2); c.333A>G, p.Thr111= (NM_001322007.2, NM_001322008.2); c.-283A>G (NM_001322011.2, NM_001322012.2); c.342A>G, p.Thr114= (NM_001322015.2); c.133-1739A>G (NM_001322013.2); c.651A>G (NM_000535.5).
Identifiers: ClinVar variation 1646035 (VCV001646035.10), dbSNP rs2128800145, ClinGen allele CA453646839.